The following is an entry in ClinVar:

NM_000273.3(GPR143):c.517G>C (p.Ala173Pro)

Gene: GPR143 (G protein-coupled receptor 143; minus strand). Cytogenetic location: Xp22.2.
Variant type: single nucleotide variant.
Coding change: c.517G>C on transcript NM_000273.3 (MANE Select); coding-DNA position 517, G replaced by C.
Protein change: p.Ala173Pro; replaces alanine 173 with proline.
Molecular consequence: missense variant.
Genome position (GRCh38, 1-based): chrX:9,748,605, C>G on the plus strand (G>C on the coding strand, the complement: GPR143 is on the minus strand). VCF-style: chrX-9748605-C-G. GRCh37 (hg19) VCF-style: chrX-9716645-C-G.
Other names: short protein forms A173P.
Identifiers: ClinVar variation 2632619 (VCV002632619.1), dbSNP rs2518630247, ClinGen allele CA411997664.

ClinVar aggregate classification (germline): Uncertain significance (1 of 4 stars; one submission).

Conditions:
GPR143-related disorder. Also called: GPR143-related condition.

Submission:

PreventionGenetics, part of Exact Sciences
Classification: Uncertain significance for GPR143-related condition. Last evaluated: 2023-06-27. Review status: criteria provided, single submitter. Criteria: ACMG Guidelines, 2015. Collection method: clinical testing. Allele origin: germline.
Comment: The GPR143 c.517G>C variant is predicted to result in the amino acid substitution p.Ala173Pro. To our knowledge, this variant has not been reported in the literature or in a large population database, indicating this variant is rare. A different substitution of this amino acid (p.Ala173Asp) has been reported in the hemizygous state in an individual with ocular albinism (Moon et al. 2022. PubMed ID: 35052368). Although we suspect that c.517G>C (p.Ala173Pro) may be pathogenic, at this time, the clinical significance of this variant is uncertain due to the absence of conclusive functional and genetic evidence.